The following is an entry in ClinVar:

NM_001042492.3(NF1):c.4578-11_4578-10del

Gene: NF1 (neurofibromin 1; plus strand). Cytogenetic location: 17q11.2.
Variant type: Deletion.
Coding change: c.4578-11_4578-10del on transcript NM_001042492.3 (MANE Select); 11 bases into the intron before coding-DNA position 4578 through 10 bases into the intron before coding-DNA position 4578, 2 bases deleted (GC; older notation c.4578-11_4578-10delGC).
Molecular consequence: intron variant.
Genome position (GRCh38, 1-based): chr17:31,261,700-31,261,701, GC deleted. VCF-style (leftmost placement, unchanged base first): chr17-31261699-TGC-T. GRCh37 (hg19) VCF-style: chr17-29588717-TGC-T.
Other names: c.4515-11_4515-10del (NM_000267.4).
Identifiers: ClinVar variation 2662994 (VCV002662994.1), dbSNP rs2508428842, ClinGen allele CA2695201272.

ClinVar aggregate classification (germline): Uncertain significance (1 of 4 stars; one submission).

Submission:

GeneDx
Classification: Uncertain significance. Last evaluated: 2023-04-17. Review status: criteria provided, single submitter. Criteria: GeneDx Variant Classification Process June 2021. Collection method: clinical testing. Allele origin: germline. Affected: yes.
Comment: Not observed at significant frequency in large population cohorts (gnomAD); Has not been previously published as pathogenic or benign to our knowledge; In silico analysis is inconclusive as to whether the variant alters gene splicing. In the absence of RNA/functional studies, the actual effect of this sequence change is unknown.